The following is an entry in ClinVar:

NM_001329943.3(KIAA0586):c.-2A>G

Gene: KIAA0586 (KIAA0586; plus strand). Cytogenetic location: 14q23.1.
Variant type: single nucleotide variant.
Coding change: c.-2A>G on transcript NM_001329943.3 (MANE Select); 2 bases upstream of the start codon, A replaced by G.
Molecular consequence: 5 prime UTR variant. On other transcripts: missense variant (1), intron variant (6).
Genome position (GRCh38, 1-based): chr14:58,428,263, A>G. VCF-style: chr14-58428263-A-G. GRCh37 (hg19) VCF-style: chr14-58894981-A-G.
Other names: c.35A>G, p.Asn12Ser (NM_001244189.2); c.-2A>G (NM_001329944.2, NM_001329946.2, NM_001329947.2 and 1 more transcripts); c.-38-9A>G (NM_001244190.2); c.-57+626A>G (NM_001244192.2, NM_001244191.2); c.-57+450A>G (NM_001364701.2, NM_001329945.2, NM_001364700.1); short protein forms N12S.
Identifiers: ClinVar variation 1988909 (VCV001988909.3), dbSNP rs541826432, ClinGen allele CA7205241.

ClinVar aggregate classification (germline): Uncertain significance. Review status: criteria provided, multiple submitters, no conflicts (2 of 4 stars). 2 submissions from 2 submitters: Uncertain significance (2). Last evaluated 2023-09-05.

Conditions:
Short-rib thoracic dysplasia 14 with polydactyly (SRTD14). Identifiers: Orphanet 397715, MedGen C4225286, MONDO:0014688, OMIM 616546.
Joubert syndrome 23 (JBTS23). Identifiers: Orphanet 475, MedGen C4084822, MONDO:0014664, OMIM 616490.

Allele frequency attached by ClinVar (database versions not stated): TOPMed below 0.00001; gnomAD exomes 0.00001; gnomAD 0.00002; ExAC 0.00004; 1000 Genomes Project 30x 0.00031; 1000 Genomes Project 0.00040.
gnomAD v4.1: 13 of 1,613,028 alleles (0.00081%); highest among the groups gnomAD compares: East Asian, 0.011%; no homozygotes.

Submissions (2):

Labcorp Genetics (formerly Invitae), Labcorp
Classification: Uncertain significance for Joubert syndrome 23; Short-rib thoracic dysplasia 14 with polydactyly. Last evaluated: 2023-09-05. Review status: criteria provided, single submitter. Criteria: Invitae Variant Classification Sherloc (09022015). Collection method: clinical testing. Allele origin: germline.
Comment: This sequence change replaces asparagine, which is neutral and polar, with serine, which is neutral and polar, at codon 12 of the KIAA0586 protein (p.Asn12Ser). This variant is present in population databases (rs541826432, gnomAD 0.02%). This variant has not been reported in the literature in individuals affected with KIAA0586-related conditions. ClinVar contains an entry for this variant (Variation ID: 1988909). Algorithms developed to predict the effect of missense changes on protein structure and function output the following: SIFT: "Not Available"; PolyPhen-2: "Benign"; Align-GVGD: "Not Available". The serine amino acid residue is found in multiple mammalian species, which suggests that this missense change does not adversely affect protein function. Algorithms developed to predict the effect of sequence changes on RNA splicing suggest that this variant may create or strengthen a splice site. In summary, the available evidence is currently insufficient to determine the role of this variant in disease. Therefore, it has been classified as a Variant of Uncertain Significance.

Blueprint Genetics
Classification: Uncertain significance. Last evaluated: 2022-01-18. Review status: criteria provided, single submitter. Criteria: ACMG Guidelines, 2015. Collection method: clinical testing. Allele origin: germline.